The following is an entry in ClinVar:

ClinVar aggregate classification (germline): Uncertain significance (1 of 4 stars; one submission).

Conditions:
Pityriasis rubra pilaris (PRP). Also called: Pityriasis rubra pilaris--familial type. Identifiers: Orphanet 2897, MedGen C0032027, MONDO:0100017, OMIM 173200, MONDO:0008251.
Psoriasis 2. Identifiers: MedGen C1864497, MONDO:0011269, OMIM 602723.

Allele frequency attached by ClinVar (database versions not stated): gnomAD exomes below 0.00001.
gnomAD v4.1: 1 of 1,588,662 alleles (0.000063%); highest among the groups gnomAD compares: Non-Finnish European, 0.000086%; no homozygotes.

Submission:

Labcorp Genetics (formerly Invitae), Labcorp
Classification: Uncertain significance for Pityriasis rubra pilaris; Psoriasis susceptibility 2. Last evaluated: 2018-07-20. Review status: criteria provided, single submitter. Criteria: Invitae Variant Classification Sherloc (09022015). Collection method: clinical testing. Allele origin: germline.
Comment: This sequence change replaces leucine with valine at codon 14 of the CARD14 protein (p.Leu14Val). The leucine residue is highly conserved and there is a small physicochemical difference between leucine and valine. This variant is not present in population databases (ExAC no frequency). This variant has not been reported in the literature in individuals with CARD14-related disease. Algorithms developed to predict the effect of missense changes on protein structure and function are either unavailable or do not agree on the potential impact of this missense change (SIFT: "Tolerated"; PolyPhen-2: "Possibly Damaging"; Align-GVGD: "Class C0"). Algorithms developed to predict the effect of sequence changes on RNA splicing suggest that this variant may create or strengthen a splice site, but this prediction has not been confirmed by published transcriptional studies. In summary, the available evidence is currently insufficient to determine the role of this variant in disease. Therefore, it has been classified as a Variant of Uncertain Significance.

NM_001366385.1(CARD14):c.40C>G (p.Leu14Val)

Gene: CARD14 (caspase recruitment domain family member 14; plus strand). Cytogenetic location: 17q25.3.
Variant type: single nucleotide variant.
Coding change: c.40C>G on transcript NM_001366385.1 (MANE Select); coding-DNA position 40, C replaced by G.
Protein change: p.Leu14Val; replaces leucine 14 with valine.
Molecular consequence: missense variant. On other transcripts: non-coding transcript variant (1).
Genome position (GRCh38, 1-based): chr17:80,181,478, C>G. VCF-style: chr17-80181478-C-G. GRCh37 (hg19) VCF-style: chr17-78155277-C-G.
Other names: c.40C>G, p.Leu14Val (NM_001257970.1, NM_024110.4); short protein forms L14V.
Identifiers: ClinVar variation 644953 (VCV000644953.1), dbSNP rs1598634057, ClinGen allele CA401352844.